The following is an entry in ClinVar:

NM_007289.4(MME):c.1042G>C (p.Ala348Pro)

Gene: MME (membrane metalloendopeptidase; plus strand). Cytogenetic location: 3q25.2.
Variant type: single nucleotide variant.
Coding change: c.1042G>C on transcript NM_007289.4 (MANE Select); coding-DNA position 1042, G replaced by C.
Protein change: p.Ala348Pro; replaces alanine 348 with proline.
Molecular consequence: missense variant.
Genome position (GRCh38, 1-based): chr3:155,142,075, G>C. VCF-style: chr3-155142075-G-C. GRCh37 (hg19) VCF-style: chr3-154859864-G-C.
Other names: c.1042G>C, p.Ala348Pro (NM_000902.5, NM_001354642.2, NM_001354643.1 and 2 more transcripts); short protein forms A348P.
Identifiers: ClinVar variation 2203458 (VCV002203458.1), dbSNP rs199567914, ClinGen allele CA85828182.

ClinVar aggregate classification (germline): Uncertain significance (1 of 4 stars; one submission).

Allele frequency attached by ClinVar (database versions not stated): gnomAD 0.00001; TOPMed 0.00001.
gnomAD v4.1: 22 of 1,613,698 alleles (0.0014%); highest among the groups gnomAD compares: Non-Finnish European, 0.0018%; no homozygotes.

Submission:

Labcorp Genetics (formerly Invitae), Labcorp
Classification: Uncertain significance. Last evaluated: 2022-07-30. Review status: criteria provided, single submitter. Criteria: Invitae Variant Classification Sherloc (09022015). Collection method: clinical testing. Allele origin: germline.
Comment: This sequence change replaces alanine, which is neutral and non-polar, with proline, which is neutral and non-polar, at codon 348 of the MME protein (p.Ala348Pro). This variant is present in population databases (rs199567914, gnomAD 0.01%). This missense change has been observed in individual(s) with autosomal dominant Charcot-Marie-Tooth disease (PMID: 27588448). Algorithms developed to predict the effect of missense changes on protein structure and function are either unavailable or do not agree on the potential impact of this missense change (SIFT: "Tolerated"; PolyPhen-2: "Probably Damaging"; Align-GVGD: "Class C0"). In summary, the available evidence is currently insufficient to determine the role of this variant in disease. Therefore, it has been classified as a Variant of Uncertain Significance.

Literature cited by the submitters: PubMed 27588448.